The following is an entry in ClinVar:

ClinVar aggregate classification (germline): Uncertain significance (1 of 4 stars; one submission).

Submission:

Dasa
Classification: Uncertain significance. Last evaluated: 2026-03-18. Review status: criteria provided, single submitter. Criteria: DASA Assertion Criteria. Collection method: clinical testing. Allele origin: germline.
Comment: NM_002641.4(PIGA):c.715+2559del is an intronic variant. This variant is rare in population databases. The currently available literature and clinical evidence are not sufficient to establish a definitive association between this variant and the reported condition. Therefore, this variant is classified as a variant of uncertain significance.

NM_002641.4(PIGA):c.715+2559del

Gene: PIGA (phosphatidylinositol glycan anchor biosynthesis class A; minus strand). Cytogenetic location: Xp22.2.
Variant type: Deletion.
Coding change: c.715+2559del on transcript NM_002641.4 (MANE Select); 2559 bases into the intron after coding-DNA position 715, one base deleted (C; older notation c.715+2559delC).
Molecular consequence: intron variant.
Genome position (GRCh38, 1-based): chrX:15,328,657, G deleted on the plus strand (C on the coding strand, the reverse complement: PIGA is on the minus strand). VCF-style (leftmost placement, unchanged base first): chrX-15328656-AG-A. GRCh37 (hg19) VCF-style: chrX-15346778-AG-A.
Other names: c.716-344del (NM_001440789.1); c.14-2611del (NM_020473.3); c.14-344del (NM_001440790.1).
Identifiers: ClinVar variation 4886271 (VCV004886271.2).
Genomic context (GRCh38, chrX:15,328,656, plus strand): 5'-GCTACAGGCATGGCTGTTCCTTTTCAGAATGTTACTTTCTGCAGGGTGCCTGGCATCTGG[AG>A]AGGGTTCGATAAATAACTGTTCAATTACTGAATTGAGTACAGGAAAGGCCATACCATCAC-3'